The following is an entry in ClinVar:

ClinVar aggregate classification (germline): Likely pathogenic (1 of 4 stars; one submission).

Submission:

GeneDx
Classification: Likely pathogenic. Last evaluated: 2024-11-07. Review status: criteria provided, single submitter. Criteria: GeneDx Variant Classification Process June 2021. Collection method: clinical testing. Allele origin: germline. Affected: yes.
Comment: Not observed at significant frequency in large population cohorts (gnomAD); In silico analysis supports that this missense variant has a deleterious effect on protein structure/function; Has not been previously published as pathogenic or benign to our knowledge

NM_134261.3(RORA):c.251A>C (p.His84Pro)

Genes: RORA (RAR related orphan receptor A; minus strand), RORA-AS1 (RORA antisense RNA 1; plus strand). Cytogenetic location: 15q22.2.
Variant type: single nucleotide variant.
Coding change: c.251A>C on transcript NM_134261.3 (MANE Select); coding-DNA position 251, A replaced by C.
Protein change: p.His84Pro; replaces histidine 84 with proline.
Molecular consequence: missense variant.
Genome position (GRCh38, 1-based): chr15:60,531,797, T>G on the plus strand (A>C on the coding strand, the complement: RORA is on the minus strand). VCF-style: chr15-60531797-T-G. GRCh37 (hg19) VCF-style: chr15-60823996-T-G.
Other names: c.326A>C, p.His109Pro (NM_002943.4); c.350A>C, p.His117Pro (NM_134260.3); c.86A>C, p.His29Pro (NM_134262.3); short protein forms H109P, H117P, H29P, H84P.
Identifiers: ClinVar variation 3373026 (VCV003373026.2).